The following is an entry in ClinVar:

NM_000352.6(ABCC8):c.157A>T (p.Ser53Cys)

Gene: ABCC8 (ATP binding cassette subfamily C member 8; minus strand). Cytogenetic location: 11p15.1.
Variant type: single nucleotide variant.
Coding change: c.157A>T on transcript NM_000352.6 (MANE Select); coding-DNA position 157, A replaced by T.
Protein change: p.Ser53Cys; replaces serine 53 with cysteine.
Molecular consequence: missense variant. On other transcripts: non-coding transcript variant (1).
Genome position (GRCh38, 1-based): chr11:17,475,019, T>A on the plus strand (A>T on the coding strand, the complement: ABCC8 is on the minus strand). VCF-style: chr11-17475019-T-A. GRCh37 (hg19) VCF-style: chr11-17496566-T-A.
Other names: c.157A>T, p.Ser53Cys (NM_001287174.3, NM_001351295.2, NM_001351296.2 and 1 more transcripts); short protein forms S53C.
Identifiers: ClinVar variation 4885670 (VCV004885670.2).

ClinVar aggregate classification (germline): Uncertain significance (1 of 4 stars; one submission).

Submission:

Dasa
Classification: Uncertain significance. Last evaluated: 2025-08-06. Review status: criteria provided, single submitter. Criteria: DASA Assertion Criteria. Collection method: clinical testing. Allele origin: germline.
Comment: NM_000352.6(ABCC8):c.157A>T (p.Ser53Cys) is a missense variant that results in the substitution of serine with cysteine. This variant has been reported in individuals with ABCC8-related disorders (PMID: 34631896). Also, this variant is absent from population databases. Computational prediction algorithms are consistent with a deleterious effect. The currently available literature and clinical evidence are not sufficient to establish a definitive association between this variant and the reported condition. Therefore, this variant is classified as a variant of uncertain significance.

Literature cited by the submitters: PubMed 34631896.